The following is an entry in ClinVar:

ClinVar aggregate classification (germline): Conflicting classifications of pathogenicity. Review status: criteria provided, conflicting classifications (1 of 4 stars). 14 submissions from 12 submitters: Uncertain significance (8); Benign (2); Likely benign (2). 2 of the submissions do not count toward it. Last evaluated 2026-01-06.

Conditions:
Hereditary hyperinsulinism.
Diabetes mellitus, permanent neonatal 3. Also called: ABCC8-Related Permanent Neonatal Diabetes Mellitus. Identifiers: MedGen C5394303, MONDO:0030088, OMIM 618857.
Type 2 diabetes mellitus. Also called: Type II diabetes mellitus. Identifiers: MedGen C0011860, MeSH D003924, MONDO:0005148, OMIM 125853, HP:0005978.
Leucine-induced hypoglycemia (LIH). Also called: LEUCINE-SENSITIVE HYPOGLYCEMIA OF INFANCY. Identifiers: MedGen C0271714, MONDO:0009415, OMIM 240800.
Hyperinsulinemic hypoglycemia, familial, 1 (HHF1). Also called: HYPERINSULINISM, FAMILIAL, WITH PANCREATIC NESIDIOBLASTOSIS; Persistent hyperinsulinemic hypoglycemia of infancy; Persistent Hyperinsulinemia Hypoglycemia of Infancy; HYPOGLYCEMIA, HYPERINSULINEMIC, OF INFANCY; NESIDIOBLASTOSIS OF PANCREAS. Identifiers: Orphanet 276575, Orphanet 276598, MedGen C2931832, MONDO:0009734, OMIM 256450.
Diabetes mellitus, transient neonatal, 2 (TNDM2). Identifiers: Orphanet 99886, MedGen C1835887, MONDO:0012480, OMIM 610374. Disease mechanism: loss of function.
Permanent neonatal diabetes mellitus (PNDM). Identifiers: Orphanet 99885, MedGen C1833104, MONDO:0100164, MONDO:0011643. Disease mechanism: gain of function.

Allele frequency attached by ClinVar (database versions not stated): gnomAD exomes 0.00024; 1000 Genomes Project 30x 0.00078; 1000 Genomes Project 0.00080; gnomAD 0.00006 and 0.00010; TOPMed 0.00012; ExAC 0.00024.
gnomAD v4.1: 201 of 1,607,706 alleles (0.013%); highest among the groups gnomAD compares: East Asian, 0.29%; 2 homozygotes.

Submissions (14):

Labcorp Genetics (formerly Invitae), Labcorp
Classification: Benign. Last evaluated: 2026-01-06. Review status: criteria provided, single submitter. Criteria: Invitae Variant Classification Sherloc (09022015). Collection method: clinical testing. Allele origin: germline.

GeneDx
Classification: Uncertain significance. Last evaluated: 2025-04-10. Review status: criteria provided, single submitter. Criteria: GeneDx Variant Classification Process June 2021. Collection method: clinical testing. Allele origin: germline. Affected: yes.
Comment: In silico analysis indicates that this missense variant does not alter protein structure/function; In silico analysis supports a deleterious effect on splicing; This variant is associated with the following publications: (PMID: 34426522, 33502730, 33240318, 32508047, 33644173, 34564935, 33300273, 9519757)

Fulgent Genetics
Classification: Uncertain significance for Type 2 diabetes mellitus; Leucine-induced hypoglycemia; Hyperinsulinemic hypoglycemia, familial, 1; Diabetes mellitus, transient neonatal, 2; Diabetes mellitus, permanent neonatal 3. Last evaluated: 2024-04-24. Review status: criteria provided, single submitter. Criteria: ACMG Guidelines, 2015. Collection method: clinical testing. Allele origin: germline.

Blueprint Genetics
Classification: Likely benign. Last evaluated: 2024-02-21. Review status: criteria provided, single submitter. Criteria: ACMG Guidelines, 2015. Collection method: clinical testing. Allele origin: germline.

Revvity Omics, Revvity
Classification: Uncertain significance. Last evaluated: 2022-12-22. Review status: criteria provided, single submitter. Criteria: ACMG Guidelines, 2015. Collection method: clinical testing. Allele origin: germline.

Genetic Services Laboratory, University of Chicago
Classification: Uncertain significance. Last evaluated: 2019-04-12. Review status: criteria provided, single submitter. Criteria: ACMG Guidelines, 2015. Collection method: clinical testing. Allele origin: germline. Affected: no.

Illumina Laboratory Services, Illumina
Classification: Uncertain significance for Permanent neonatal diabetes mellitus 1. Last evaluated: 2017-04-28. Review status: criteria provided, single submitter. Criteria: ICSL Variant Classification Criteria 13 December 2019. Collection method: clinical testing. Allele origin: germline.

Illumina Laboratory Services, Illumina
Classification: Uncertain significance for Hyperinsulinemic hypoglycemia, familial, 1. Last evaluated: 2017-04-28. Review status: criteria provided, single submitter. Criteria: ICSL Variant Classification Criteria 13 December 2019. Collection method: clinical testing. Allele origin: germline.

Illumina Laboratory Services, Illumina
Classification: Benign for Diabetes mellitus, transient neonatal, 2. Last evaluated: 2017-04-28. Review status: criteria provided, single submitter. Criteria: ICSL Variant Classification Criteria 13 December 2019. Collection method: clinical testing. Allele origin: germline.
Comment: This variant was observed as part of a predisposition screen in an ostensibly healthy population. A literature search was performed for the gene, cDNA change, and amino acid change (where applicable). No publications were found based on this search. Allele frequency data from public databases was too high to be consistent with this variant causing disease. Therefore, this variant is classified as benign.

Eurofins Ntd Llc (ga)
Classification: Uncertain significance. Last evaluated: 2016-05-19. Review status: criteria provided, single submitter. Criteria: EGL Classification Definitions 2015. Collection method: clinical testing. Allele origin: germline. Observed: 1 variant allele.

Soonchunhyang University Bucheon Hospital, Soonchunhyang University Medical Center
Classification: Likely benign for Type 2 diabetes mellitus. Last evaluated: 2016-03-18. Review status: criteria provided, single submitter. Criteria: ACMG Guidelines, 2015. Collection method: reference population. Allele origin: germline. Observed: 1 variant allele.

Juno Genomics, Hangzhou Juno Genomics, Inc
Classification: Uncertain significance for Type 2 diabetes mellitus; Leucine-induced hypoglycemia; Hyperinsulinemic hypoglycemia, familial, 1; Diabetes mellitus, permanent neonatal 3; Diabetes mellitus, transient neonatal, 2. Review status: criteria provided, single submitter. Criteria: ACMG Guidelines, 2015. Collection method: clinical testing. Allele origin: germline. Affected: yes.
Comment: Absent from controls (or at extremely low frequency if recessive) in Genome Aggregation Database, Exome Sequencing Project, 1000 Genomes Project, or Exome Aggregation Consortium.

Natera, Inc.
Classification: Likely benign for Hereditary hyperinsulinism. Last evaluated: 2020-10-07. Review status: no assertion criteria provided. Collection method: clinical testing. Allele origin: germline. Not counted in ClinVar's aggregate classification.

Counsyl
Classification: Uncertain significance for Hyperinsulinemic hypoglycemia, familial, 1. Last evaluated: 2018-01-05. Review status: no assertion criteria provided. Collection method: clinical testing. Allele origin: unknown. Not counted in ClinVar's aggregate classification.

Literature cited by the submitters: PubMed 9519757 (cited by Soonchunhyang University Bucheon Hospital, Soonchunhyang University Medical Center and Counsyl).

NM_000352.6(ABCC8):c.824G>A (p.Arg275Gln)

Gene: ABCC8 (ATP binding cassette subfamily C member 8; minus strand). Cytogenetic location: 11p15.1.
Variant type: single nucleotide variant.
Coding change: c.824G>A on transcript NM_000352.6 (MANE Select); coding-DNA position 824, G replaced by A.
Protein change: p.Arg275Gln; replaces arginine 275 with glutamine.
Molecular consequence: missense variant. On other transcripts: non-coding transcript variant (1).
Genome position (GRCh38, 1-based): chr11:17,460,675, C>T on the plus strand (G>A on the coding strand, the complement: ABCC8 is on the minus strand). VCF-style: chr11-17460675-C-T. GRCh37 (hg19) VCF-style: chr11-17482222-C-T.
Other names: c.824G>A, p.Arg275Gln (NM_001287174.3, NM_001351295.2); c.821G>A, p.Arg274Gln (NM_001351296.2, NM_001351297.2); c.824G>A (NM_000352.5); short protein forms R275Q, R274Q.
Identifiers: ClinVar variation 225291 (VCV000225291.33), dbSNP rs185040406, ClinGen allele CA5903742.